The following is an entry in ClinVar:

NM_007194.4(CHEK2):c.1360_1361insGC (p.Glu454fs)

Gene: CHEK2 (checkpoint kinase 2; minus strand). Cytogenetic location: 22q12.1.
Variant type: Insertion.
Coding change: c.1360_1361insGC on transcript NM_007194.4 (MANE Select); coding-DNA positions 1360 to 1361, GC inserted.
Protein change: p.Glu454fs; shifts the reading frame from glutamic acid 454.
Molecular consequence: frameshift variant.
Genome position: GRCh38 VCF-style: chr22-28695141-T-TGC. GRCh37 (hg19) VCF-style: chr22-29091129-T-TGC.
Other names: c.1489_1490insGC, p.Glu497Glyfs (NM_001005735.3); c.697_698insGC, p.Glu233Glyfs (NM_001257387.3); c.1159_1160insGC, p.Glu387Glyfs (NM_001349956.3); c.1273_1274insGC, p.Glu425Glyfs (NM_145862.3); short protein forms E425fs, E233fs, E497fs, E387fs, E454fs.
Identifiers: ClinVar variation 3492205 (VCV003492205.3).

ClinVar aggregate classification (germline): Pathogenic. Review status: criteria provided, multiple submitters, no conflicts (2 of 4 stars). 2 submissions from 2 submitters: Pathogenic (2). Last evaluated 2025-03-11.

Conditions:
Familial cancer of breast. Also called: BREAST CANCER, FAMILIAL; Hereditary breast cancer; hereditary breast carcinoma. Identifiers: Orphanet 227535, MedGen C0346153, MONDO:0016419, OMIM 114480. Disease mechanism: loss of function.
Hereditary cancer-predisposing syndrome. Also called: Tumor predisposition; Neoplastic Syndromes, Hereditary; Hereditary Cancer Syndrome; Hereditary neoplastic syndrome. Identifiers: Orphanet 140162, MedGen C0027672, MeSH D009386, MONDO:0015356.

Submissions (2):

Labcorp Genetics (formerly Invitae), Labcorp
Classification: Pathogenic for Familial cancer of breast. Last evaluated: 2025-03-11. Review status: criteria provided, single submitter. Criteria: Invitae Variant Classification Sherloc (09022015). Collection method: clinical testing. Allele origin: germline.
Comment: This sequence change creates a premature translational stop signal (p.Glu454Glyfs*16) in the CHEK2 gene. It is expected to result in an absent or disrupted protein product. Loss-of-function variants in CHEK2 are known to be pathogenic (PMID: 21876083, 24713400). This variant is not present in population databases (gnomAD no frequency). This variant has not been reported in the literature in individuals affected with CHEK2-related conditions. ClinVar contains an entry for this variant (Variation ID: 3492205). Studies have shown that this premature translational stop signal is associated with inconclusive levels of altered splicing (internal data). For these reasons, this variant has been classified as Pathogenic.

Ambry Genetics
Classification: Pathogenic for Hereditary cancer-predisposing syndrome. Last evaluated: 2024-11-22. Review status: criteria provided, single submitter. Criteria: Ambry Variant Classification Scheme 2023. Collection method: clinical testing. Allele origin: germline.
Comment: The c.1360_1361insGC pathogenic mutation, located in coding exon 11 of the CHEK2 gene, results from an insertion of two nucleotides at position 1360, causing a translational frameshift with a predicted alternate stop codon (p.E454Gfs*16). This variant is considered to be rare based on population cohorts in the Genome Aggregation Database (gnomAD). This alteration is expected to result in loss of function by premature protein truncation or nonsense-mediated mRNA decay. As such, this alteration is interpreted as a disease-causing mutation.

Literature cited by the submitters: PubMed 21876083 (cited by Labcorp Genetics (formerly Invitae), Labcorp); PubMed 24713400 (cited by Labcorp Genetics (formerly Invitae), Labcorp).